The following is an entry in ClinVar:

ClinVar aggregate classification (germline): Conflicting classifications of pathogenicity. Review status: criteria provided, conflicting classifications (1 of 4 stars). 14 submissions from 14 submitters: Uncertain significance (5); Benign (1); Likely benign (8). Last evaluated 2025-06-04.

Conditions:
Cardiovascular phenotype. Identifiers: MedGen CN230736.
TTN-related disorder. Also called: TTN-related condition; TTN-related disease; TTN-related disorders.
Dilated cardiomyopathy 1G (CMD1G). Identifiers: Orphanet 154, MedGen C1858763, MONDO:0011400, OMIM 604145.
Autosomal recessive limb-girdle muscular dystrophy type 2J (LGMDR10). Also called: Limb-girdle muscular dystrophy, type 2J; MUSCULAR DYSTROPHY, LIMB-GIRDLE, AUTOSOMAL RECESSIVE 10. Identifiers: Orphanet 140922, MedGen C1837342, MONDO:0012127, OMIM 608807.
Cardiomyopathy (CMYO). Also called: Cardiomyopathies. Identifiers: Orphanet 167848, MedGen C0878544, MONDO:0004994, HP:0001638. Inheritance: Various modes of inheritance.
Myopathy. Identifiers: MedGen C0026848, MeSH D009135, MONDO:0005336, HP:0003198.

Allele frequency attached by ClinVar (database versions not stated): ExAC 0.00031; gnomAD 0.00036 and 0.00040; gnomAD exomes 0.00037; TOPMed 0.00050; ESP Exome Variant Server 0.00058.

Submissions (14):

Mayo Clinic Laboratories, Mayo Clinic
Classification: Uncertain significance. Last evaluated: 2025-06-04. Review status: criteria provided, single submitter. Criteria: ACMG Guidelines, 2015. Collection method: clinical testing. Allele origin: germline. Observed: 5 variant alleles.
Comment: BP4_moderate

Molecular Diagnostic Laboratory for Inherited Cardiovascular Disease, Montreal Heart Institute
Classification: Likely benign. Last evaluated: 2025-04-09. Review status: criteria provided, single submitter. Criteria: ACMG Guidelines, 2015. Collection method: clinical testing. Allele origin: germline. Affected: no.

CeGaT Center for Human Genetics Tuebingen
Classification: Likely benign. Last evaluated: 2025-04-01. Review status: criteria provided, single submitter. Criteria: CeGaT Center For Human Genetics Tuebingen Variant Classification Criteria Version 2. Collection method: clinical testing. Allele origin: germline. Affected: yes. Observed: 5 variant alleles.
Comment: TTN: BP4

PreventionGenetics, part of Exact Sciences
Classification: Likely benign for TTN-related condition. Last evaluated: 2025-03-24. Review status: criteria provided, single submitter. Criteria: ACMG Guidelines, 2015. Collection method: clinical testing. Allele origin: germline.
Comment: This variant is classified as likely benign based on ACMG/AMP sequence variant interpretation guidelines (Richards et al. 2015 PMID: 25741868, with internal and published modifications).

Blueprint Genetics
Classification: Likely benign. Last evaluated: 2024-09-18. Review status: criteria provided, single submitter. Criteria: ACMG Guidelines, 2015. Collection method: clinical testing. Allele origin: germline.

Women's Health and Genetics/Laboratory Corporation of America, LabCorp
Classification: Uncertain significance. Last evaluated: 2023-09-11. Review status: criteria provided, single submitter. Criteria: LabCorp Variant Classification Summary - May 2015. Collection method: clinical testing. Allele origin: germline.
Comment: Variant summary: TTN c.74195G>A (p.Arg24732His) results in a non-conservative amino acid change located in the A-band region of the encoded protein sequence. Three of four in-silico tools predict a benign effect of the variant on protein function. The variant allele was found at a frequency of 0.00037 in 247888 control chromosomes (gnomAD). This frequency is not significantly higher than estimated for a pathogenic variant in TTN causing Cardiomyopathy (0.00037 vs 0.00063), allowing no conclusion about variant significance. c.74195G>A has been reported in the literature in individuals who suffered a sudden unexplained cardiac death (e.g. Campuzano_2015, Campuzano_2017). These reports do not provide unequivocal conclusions about association of the variant with Cardiomyopathy. To our knowledge, no experimental evidence demonstrating an impact on protein function has been reported. The following publications have been ascertained in the context of this evaluation (PMID: 26516846, 28255936). Eight submitters have cited clinical-significance assessments for this variant to ClinVar after 2014 and classified the variant as either VUS or likely benign. Based on the evidence outlined above, the variant was classified as uncertain significance.

CHEO Genetics Diagnostic Laboratory, Children's Hospital of Eastern Ontario
Classification: Benign for Cardiomyopathy. Last evaluated: 2023-06-16. Review status: criteria provided, single submitter. Criteria: ACMG Guidelines, 2015. Collection method: clinical testing. Allele origin: germline. Study: Canadian Open Genetics Repository.

Athena Diagnostics
Classification: Likely benign. Last evaluated: 2021-01-11. Review status: criteria provided, single submitter. Criteria: Athena Diagnostics criteria. Collection method: clinical testing. Allele origin: unknown.

GeneDx
Classification: Likely benign. Last evaluated: 2020-10-23. Review status: criteria provided, single submitter. Criteria: GeneDx Variant Classification Process June 2021. Collection method: clinical testing. Allele origin: germline. Affected: yes.
Comment: This variant is associated with the following publications: (PMID: 27930701, 28255936, 17344846)

Ambry Genetics
Classification: Likely benign for Cardiovascular phenotype. Last evaluated: 2020-06-08. Review status: criteria provided, single submitter. Criteria: Ambry Variant Classification Scheme 2023. Collection method: clinical testing. Allele origin: germline.

Labcorp Genetics (formerly Invitae), Labcorp
Classification: Uncertain significance for Dilated cardiomyopathy 1G; Autosomal recessive limb-girdle muscular dystrophy type 2J. Last evaluated: 2017-10-17. Review status: criteria provided, single submitter. Criteria: Invitae Variant Classification Sherloc (09022015). Collection method: clinical testing. Allele origin: germline.

Eurofins Ntd Llc (ga)
Classification: Uncertain significance. Last evaluated: 2016-06-07. Review status: criteria provided, single submitter. Criteria: EGL Classification Definitions 2015. Collection method: clinical testing. Allele origin: germline. Observed: 4 variant alleles, 4 heterozygotes.

Centre for Mendelian Genomics, University Medical Centre Ljubljana
Classification: Uncertain significance for Myopathy. Last evaluated: 2014-12-12. Review status: criteria provided, single submitter. Criteria: ACMG Guidelines, 2015. Collection method: clinical testing. Allele origin: unknown. Affected: yes.

Laboratory for Molecular Medicine, Mass General Brigham Personalized Medicine
Classification: Likely benign. Last evaluated: 2013-03-06. Review status: criteria provided, single submitter. Criteria: LMM Criteria. Collection method: clinical testing. Allele origin: germline. Observed: 1 variant allele.
Comment: Arg24732His in exon 275 of TTN: This variant is not expected to have clinical si gnificance due to a lack of conservation across species, including mammals. Of n ote, multiple mammals (guinea pig, hedgehog, elephant, rock hyrax, and platypus) have a histidine (His) at this position, despite high nearby amino acid conserv ation. In addition, computational analyses (biochemical properties, AlignGVGD, a nd PolyPhen2) do not suggest a high likelihood of impact to the protein. This va riant has been identified in 5/8226 European American chromosomes from a broad p opulation by the NHLBI Exome Sequencing Project (S/; dbSNP rs55850344).

Literature cited by the submitters: PubMed 27930701 (cited by Mayo Clinic Laboratories, Mayo Clinic); PubMed 28255936 (cited by Mayo Clinic Laboratories, Mayo Clinic and Women's Health and Genetics/Laboratory Corporation of America, LabCorp); PubMed 28771489 (cited by 3 submitters); PubMed 26516846 (cited by Women's Health and Genetics/Laboratory Corporation of America, LabCorp); PubMed 28166282 (cited by Athena Diagnostics and Ambry Genetics).

NM_001267550.2(TTN):c.81899G>A (p.Arg27300His)

Genes: TTN-AS1 (TTN antisense RNA 1; plus strand), TTN (titin; minus strand). Cytogenetic location: 2q31.2.
Variant type: single nucleotide variant.
Coding change: c.81899G>A on transcript NM_001267550.2 (MANE Select); coding-DNA position 81899, G replaced by A.
Protein change: p.Arg27300His; replaces arginine 27300 with histidine.
Molecular consequence: missense variant.
Genome position (GRCh38, 1-based): chr2:178,564,233, C>T on the plus strand (G>A on the coding strand, the complement: TTN is on the minus strand). VCF-style: chr2-178564233-C-T. GRCh37 (hg19) VCF-style: chr2-179428960-C-T.
Other names: p.R25659H:CGT>CAT; c.76976G>A, p.Arg25659His (NM_001256850.1); c.54704G>A, p.Arg18235His (NM_003319.4); c.74195G>A, p.Arg24732His (NM_133378.4); c.55079G>A, p.Arg18360His (NM_133432.3); c.55280G>A, p.Arg18427His (NM_133437.4); c.81899G>A (NM_001267550.1); short protein forms R27300H, R24732H, R25659H, R18235H, R18360H, R18427H.
Identifiers: ClinVar variation 47404 (VCV000047404.73), dbSNP rs55850344, ClinGen allele CA140899.